The following is an entry in ClinVar:

ClinVar aggregate classification (germline): Uncertain significance (1 of 4 stars; one submission).

Submission:

Ambry Genetics
Classification: Uncertain significance. Last evaluated: 2023-03-22. Review status: criteria provided, single submitter. Criteria: Ambry Variant Classification Scheme 2023. Collection method: clinical testing. Allele origin: germline.
Comment: The p.N1301S variant (also known as c.3902A>G), located in coding exon 16 of the POLQ gene, results from an A to G substitution at nucleotide position 3902. The asparagine at codon 1301 is replaced by serine, an amino acid with highly similar properties. This amino acid position is conserved. In addition, this alteration is predicted to be tolerated by in silico analysis. Since supporting evidence is limited at this time, the clinical significance of this alteration remains unclear.

NM_199420.4(POLQ):c.3902A>G (p.Asn1301Ser)

Gene: POLQ (DNA polymerase theta; minus strand). Cytogenetic location: 3q13.33.
Variant type: single nucleotide variant.
Coding change: c.3902A>G on transcript NM_199420.4 (MANE Select); coding-DNA position 3902, A replaced by G.
Protein change: p.Asn1301Ser; replaces asparagine 1301 with serine.
Molecular consequence: missense variant.
Genome position (GRCh38, 1-based): chr3:121,489,029, T>C on the plus strand (A>G on the coding strand, the complement: POLQ is on the minus strand). VCF-style: chr3-121489029-T-C. GRCh37 (hg19) VCF-style: chr3-121207876-T-C.
Other names: short protein forms N1301S.
Identifiers: ClinVar variation 2561739 (VCV002561739.2), dbSNP rs2546786710, ClinGen allele CA354096684.